The following is an entry in ClinVar:

ClinVar aggregate classification (germline): Uncertain significance (1 of 4 stars; one submission).

Conditions:
Fanconi anemia (FA). Also called: Fanconi's anemia. Identifiers: Orphanet 84, MedGen C0015625, MeSH D005199, MONDO:0019391.

Allele frequency attached by ClinVar (database versions not stated): gnomAD exomes below 0.00001.
gnomAD v4.1: 1 of 1,610,440 alleles (0.000062%); highest among the groups gnomAD compares: East Asian, 0.0022%; no homozygotes.

Submission:

Labcorp Genetics (formerly Invitae), Labcorp
Classification: Uncertain significance for Fanconi anemia. Last evaluated: 2022-07-03. Review status: criteria provided, single submitter. Criteria: Invitae Variant Classification Sherloc (09022015). Collection method: clinical testing. Allele origin: germline.
Comment: In summary, the available evidence is currently insufficient to determine the role of this variant in disease. Therefore, it has been classified as a Variant of Uncertain Significance. Variants that disrupt the consensus splice site are a relatively common cause of aberrant splicing (PMID: 17576681, 9536098). Algorithms developed to predict the effect of sequence changes on RNA splicing suggest that this variant may create or strengthen a splice site. This variant has not been reported in the literature in individuals affected with FANCD2-related conditions. This variant is not present in population databases (gnomAD no frequency). This sequence change falls in intron 10 of the FANCD2 gene. It does not directly change the encoded amino acid sequence of the FANCD2 protein. It affects a nucleotide within the consensus splice site.

Literature cited by the submitters: PubMed 17576681; PubMed 9536098.

NM_001018115.3(FANCD2):c.783+6A>G

Genes: FANCD2 (FA complementation group D2; plus strand), LOC107303338 (3p25 FANCD2 Alu-mediated recombination region; plus strand). Cytogenetic location: 3p25.3.
Variant type: single nucleotide variant.
Coding change: c.783+6A>G on transcript NM_001018115.3 (MANE Select); 6 bases into the intron after coding-DNA position 783, A replaced by G.
Molecular consequence: intron variant.
Genome position (GRCh38, 1-based): chr3:10,041,716, A>G. VCF-style: chr3-10041716-A-G. GRCh37 (hg19) VCF-style: chr3-10083400-A-G.
Other names: c.783+6A>G (NM_001319984.2, NM_001374253.1, NM_033084.6 and 1 more transcripts).
Identifiers: ClinVar variation 2158701 (VCV002158701.4), dbSNP rs2470749181, ClinGen allele CA2580068364.